The following is an entry in ClinVar:

ClinVar aggregate classification (germline): Pathogenic (1 of 4 stars; one submission).

Submission:

Labcorp Genetics (formerly Invitae), Labcorp
Classification: Pathogenic. Last evaluated: 2023-08-24. Review status: criteria provided, single submitter. Criteria: Invitae Variant Classification Sherloc (09022015). Collection method: clinical testing. Allele origin: germline.
Comment: For these reasons, this variant has been classified as Pathogenic. This variant disrupts a region of the EIF2B4 protein in which other variant(s) (p.Arg373Cys) have been determined to be pathogenic (PMID: 11835386, 15054402, 15776425, 25089094, 29331873). This suggests that this is a clinically significant region of the protein, and that variants that disrupt it are likely to be disease-causing. This variant has not been reported in the literature in individuals affected with EIF2B4-related conditions. This variant is not present in population databases (gnomAD no frequency). This variant results in the deletion of part of exon 11 (c.1010+67_1166del) of the EIF2B4 gene. It is expected to disrupt RNA splicing. Variants that disrupt the donor or acceptor splice site typically lead to a loss of protein function (PMID: 16199547), and loss-of-function variants in EIF2B4 are known to be pathogenic (PMID: 11835386, 15776425, 16807905).

Literature cited by the submitters: PubMed 11835386; PubMed 15054402; PubMed 15776425; PubMed 25089094; PubMed 29331873; PubMed 16199547; PubMed 16807905.

NM_001034116.2(EIF2B4):c.1013+67_1169del

Genes: EIF2B4 (eukaryotic translation initiation factor 2B subunit delta; minus strand), GTF3C2-AS2 (GTF3C2 antisense RNA 2; plus strand). Cytogenetic location: 2p23.3.
Variant type: Deletion.
Coding change: c.1013+67_1169del on transcript NM_001034116.2 (MANE Select); 67 bases into the intron after coding-DNA position 1013 through coding-DNA position 1169, 227 bases deleted.
Molecular consequence: splice acceptor variant.
Genome position (GRCh38, 1-based): chr2:27,366,781-27,367,007, 227 bases deleted. GRCh37 (hg19): chr2:27,589,649-27,589,875.
Other names: c.920+67_1076del (NM_001318967.2); c.1010+67_1166del (NM_015636.4); c.395+67_551del (NM_001318969.2); c.968+67_1124del (NM_001318966.2); c.1073+67_1229del (NM_172195.4); c.428+67_584del (NM_001318968.2); c.1076+67_1232del (NM_001318965.2).
Identifiers: ClinVar variation 2754906 (VCV002754906.3), dbSNP rs2465503929, ClinGen allele CA2697547926.